The following is an entry in ClinVar:

NM_000059.4(BRCA2):c.9257-5114T>C

Gene: BRCA2 (BRCA2 DNA repair associated; plus strand). Cytogenetic location: 13q13.1.
Variant type: single nucleotide variant.
Coding change: c.9257-5114T>C on transcript NM_000059.4 (MANE Select); 5114 bases into the intron before coding-DNA position 9257, T replaced by C.
Molecular consequence: intron variant.
Genome position (GRCh38, 1-based): chr13:32,389,575, T>C. VCF-style: chr13-32389575-T-C. GRCh37 (hg19) VCF-style: chr13-32963712-T-C.
Identifiers: ClinVar variation 264907 (VCV000264907.1), dbSNP rs11571802, ClinGen allele CA10588171.

ClinVar aggregate classification (germline): Benign (3 of 4 stars; one submission).

Conditions:
Breast-ovarian cancer, familial, susceptibility to, 2 (BROVCA2). Also called: BRCA2 Hereditary Breast and Ovarian Cancer. Identifiers: Orphanet 145, MedGen C2675520, MONDO:0012933, OMIM 612555. Disease mechanism: loss of function.

Allele frequency attached by ClinVar (database versions not stated): 1000 Genomes Project 30x 0.00734; gnomAD 0.00001 and 0.00106; TOPMed 0.00026; 1000 Genomes Project 0.00639.

Submission:

Evidence-based Network for the Interpretation of Germline Mutant Alleles (ENIGMA)
Classification: Benign for Breast-ovarian cancer, familial, susceptibility to, 2. Last evaluated: 2016-09-28. Review status: reviewed by expert panel. Criteria: ENIGMA BRCA1/2 Classification Criteria (2015). Collection method: curation. Allele origin: germline.
Comment: Class 1 not pathogenic based on frequency >1% in an outbred sampleset. Frequency 0.0327 (South Asian), derived from 1000 genomes (2013-05-02).